The following is an entry in ClinVar:

NM_000937.5(POLR2A):c.3034G>A (p.Gly1012Arg)

Gene: POLR2A (RNA polymerase II subunit A; plus strand). Cytogenetic location: 17p13.1.
Variant type: single nucleotide variant.
Coding change: c.3034G>A on transcript NM_000937.5 (MANE Select); coding-DNA position 3034, G replaced by A.
Protein change: p.Gly1012Arg; replaces glycine 1012 with arginine.
Molecular consequence: missense variant.
Genome position (GRCh38, 1-based): chr17:7,503,490, G>A. VCF-style: chr17-7503490-G-A. GRCh37 (hg19) VCF-style: chr17-7406809-G-A.
Other names: short protein forms G1012R.
Identifiers: ClinVar variation 5005814 (VCV005005814.2).
Genomic context (GRCh38, chr17:7,503,490, plus strand): 5'-AAAATCTTCCACATCAACCCACGCCTTCCCTCCGACCTGCACCCCATCAAAGTGGTGGAG[G>A]GTAAGTACCTGCTTAGGGGTCTCCAAGCCAGGCTAGGGGATAGGAGACTGCTGGGCCCTG-3'
Protein context (NP_000928.1, residues 1002-1022): SDLHPIKVVE[Gly1012Arg]VKELSKKLVI

ClinVar aggregate classification (germline): Uncertain significance (1 of 4 stars; one submission).

Conditions:
Neurodevelopmental disorder with hypotonia and variable intellectual and behavioral abnormalities. Identifiers: MedGen C5231423, MONDO:0032829, OMIM 618603.

Submission:

Juno Genomics, Hangzhou Juno Genomics, Inc
Classification: Uncertain significance for Neurodevelopmental disorder with hypotonia and variable intellectual and behavioral abnormalities. Review status: criteria provided, single submitter. Criteria: ACMG Guidelines, 2015. Collection method: clinical testing. Allele origin: germline.
Comment: Absent from controls (or at extremely low frequency if recessive) in Genome Aggregation Database.;Missense variant in a gene that has a low rate of benign missense variation.